The following is an entry in ClinVar:

ClinVar aggregate classification (germline): Benign. Review status: criteria provided, single submitter (1 of 4 stars). 2 submissions from 2 submitters: Benign (1). 1 of the submissions does not count toward it. Last evaluated 2026-02-01.

Conditions:
MESP1-related disorder. Also called: MESP1-related condition.

Allele frequency attached by ClinVar (database versions not stated): ExAC 0.00117; 1000 Genomes Project 0.00639; 1000 Genomes Project 30x 0.00921.

Submissions (2):

Labcorp Genetics (formerly Invitae), Labcorp
Classification: Benign. Last evaluated: 2026-02-01. Review status: criteria provided, single submitter. Criteria: Invitae Variant Classification Sherloc (09022015). Collection method: clinical testing. Allele origin: germline.

PreventionGenetics, part of Exact Sciences
Classification: Benign for MESP1-related condition. Last evaluated: 2019-03-06. Review status: no assertion criteria provided. Collection method: clinical testing. Allele origin: germline. Not counted in ClinVar's aggregate classification.
Comment: This variant is classified as benign based on ACMG/AMP sequence variant interpretation guidelines (Richards et al. 2015 PMID: 25741868, with internal and published modifications).

NM_018670.4(MESP1):c.218G>A (p.Gly73Asp)

Genes: MESP1 (mesoderm posterior bHLH transcription factor 1; minus strand), LOC130057889 (ATAC-STARR-seq lymphoblastoid silent region 6804; plus strand). Cytogenetic location: 15q26.1.
Variant type: single nucleotide variant.
Coding change: c.218G>A on transcript NM_018670.4 (MANE Select); coding-DNA position 218, G replaced by A.
Protein change: p.Gly73Asp; replaces glycine 73 with aspartic acid.
Molecular consequence: missense variant.
Genome position (GRCh38, 1-based): chr15:89,751,014, C>T on the plus strand (G>A on the coding strand, the complement: MESP1 is on the minus strand). VCF-style: chr15-89751014-C-T. GRCh37 (hg19) VCF-style: chr15-90294245-C-T.
Other names: c.218G>A (NM_018670.3); short protein forms G73D.
Identifiers: ClinVar variation 2043907 (VCV002043907.6), dbSNP rs541860716, ClinGen allele CA7730270.
Genomic context (GRCh38, chr15:89,751,014, plus strand): 5'-AGTTTCTCCCGCTCACTGGCGCTCTGCCTCTGCCCGCTGCCCAGGCGGCTGCTGCGCGCG[C>T]CGCGCCTACCTACGGAGGGGGCGCGGGGGTCCCGGAGGGTGCCTGGCCGCGCGGGGCTCG-3'
Protein context (NP_061140.1, residues 63-83): DPRAPSVGRR[Gly73Asp]ARSSRLGSGQ